The following is an entry in ClinVar:

ClinVar aggregate classification (germline): Likely pathogenic (1 of 4 stars; one submission).

Conditions:
Autosomal recessive congenital ichthyosis 3 (ARCI3). Also called: ICHTHYOSIS, LAMELLAR, 5. Identifiers: MedGen C3539888, MONDO:0011680, OMIM 606545.

gnomAD v4.1: 5 of 1,614,096 alleles (0.00031%); highest among the groups gnomAD compares: Admixed American, 0.0067%; no homozygotes.

Submission:

First Genomix Gene Laboratory, Genetic Diagnostics Department
Classification: Likely pathogenic for Autosomal recessive congenital ichthyosis 3. Last evaluated: 2025-01-27. Review status: criteria provided, single submitter. Criteria: ACMG Guidelines, 2015. Collection method: clinical testing. Allele origin: germline. Inheritance: Autosomal recessive inheritance. Affected: no. Observed: 1 variant allele.

NM_021628.3(ALOXE3):c.235A>T (p.Lys79Ter)

Gene: ALOXE3 (arachidonate epidermal lipoxygenase 3; minus strand). Cytogenetic location: 17p13.1.
Variant type: single nucleotide variant.
Coding change: c.235A>T on transcript NM_021628.3 (MANE Select); coding-DNA position 235, A replaced by T.
Protein change: p.Lys79Ter; replaces lysine 79 with a stop codon.
Molecular consequence: nonsense.
Genome position (GRCh38, 1-based): chr17:8,116,893, T>A on the plus strand (A>T on the coding strand, the complement: ALOXE3 is on the minus strand). VCF-style: chr17-8116893-T-A. GRCh37 (hg19) VCF-style: chr17-8020211-T-A.
Other names: c.631A>T, p.Lys211Ter (NM_001165960.1); c.235A>T, p.Lys79Ter (NM_001369446.1); short protein forms K211*, K79*.
Identifiers: ClinVar variation 4845734 (VCV004845734.1).